The following is an entry in ClinVar:

ClinVar aggregate classification (germline): Pathogenic. Review status: criteria provided, multiple submitters, no conflicts (2 of 4 stars). 9 submissions from 9 submitters: Pathogenic (7). 2 of the submissions do not count toward it. Last evaluated 2025-06-27.

Conditions:
Optic atrophy. Identifiers: MedGen C0029124, MONDO:0003608, HP:0000648.
OPA1-related disorder. Also called: OPA1-related condition; OPA1-related disorders.
Autosomal dominant optic atrophy classic form (OPA1). Also called: Optic Atrophy Type 1; KJER-TYPE OPTIC ATROPHY; OPTIC ATROPHY, JUVENILE. Identifiers: Orphanet 98673, MedGen C0338508, MONDO:0008134, OMIM 165500.

gnomAD v4.1: 1 of 1,613,724 alleles (0.000062%); highest among the groups gnomAD compares: Admixed American, 0.0017%; no homozygotes.

Submissions (9):

Dasa
Classification: Pathogenic. Last evaluated: 2025-06-27. Review status: criteria provided, single submitter. Criteria: DASA Assertion Criteria. Collection method: clinical testing. Allele origin: germline.
Comment: NM_130837.3(OPA1):c.2362C>T (p.Arg788*) introduces a premature termination codon predicted to result in loss of normal protein function. Loss-of-function is an established mechanism of disease for this gene. Segregation evidence has been reported in affected families. Functional evidence supports a deleterious effect on the gene or gene product (PMID: 34242285; PMID: 19319978; PMID: 22433900; PMID: 19112530). This variant has been recurrently observed in individuals with related phenotype (PMID: 34242285; PMID: 19319978; PMID: 22433900; PMID: 19112530). The variant is present at low frequency in population datasets. Based on the available data, this variant is classified as pathogenic.

Labcorp Genetics (formerly Invitae), Labcorp
Classification: Pathogenic. Last evaluated: 2022-09-16. Review status: criteria provided, single submitter. Criteria: Invitae Variant Classification Sherloc (09022015). Collection method: clinical testing. Allele origin: germline.
Comment: This sequence change creates a premature translational stop signal (p.Arg733*) in the OPA1 gene. It is expected to result in an absent or disrupted protein product. Loss-of-function variants in OPA1 are known to be pathogenic (PMID: 11440988, 20157015, 20952381, 25012220). This variant is not present in population databases (gnomAD no frequency). This premature translational stop signal has been observed in individual(s) with optic atrophy (PMID: 19112530, 34242285). ClinVar contains an entry for this variant (Variation ID: 431941). For these reasons, this variant has been classified as Pathogenic.

Blueprint Genetics
Classification: Pathogenic for OPA1-related disorders. Last evaluated: 2022-06-16. Review status: criteria provided, single submitter. Criteria: ACMG Guidelines, 2015. Collection method: clinical testing. Allele origin: germline. Affected: yes. Observed: 3 variant alleles.

Mayo Clinic Laboratories, Mayo Clinic
Classification: Pathogenic. Last evaluated: 2022-05-31. Review status: criteria provided, single submitter. Criteria: ACMG Guidelines, 2015. Collection method: clinical testing. Allele origin: germline. Observed: 1 variant allele.
Comment: PP1, PM2, PS4_supporting, PVS1

Institute of Medical Genetics and Applied Genomics, University Hospital Tübingen
Classification: Pathogenic. Last evaluated: 2020-10-23. Review status: criteria provided, single submitter. Criteria: ACMG Guidelines, 2015. Collection method: clinical testing. Allele origin: germline. Inheritance: Autosomal unknown. Affected: yes.

GeneDx
Classification: Pathogenic. Last evaluated: 2019-09-27. Review status: criteria provided, single submitter. Criteria: GeneDx Variant Classification Process June 2021. Collection method: clinical testing. Allele origin: germline. Affected: yes.
Comment: Not observed in large population cohorts (Lek et al., 2016); This variant is associated with the following publications: (PMID: 19319978, 19112530, 25525159, 22433900)

Equipe Genetique des Anomalies du Developpement, Université de Bourgogne
Classification: Pathogenic for Optic atrophy. Review status: criteria provided, single submitter. Criteria: ACMG Guidelines, 2015. Collection method: clinical testing. Allele origin: de novo. Affected: yes.

Clinical Genetics Laboratory, University Hospital Schleswig-Holstein
Classification: Pathogenic for Autosomal dominant optic atrophy classic form. Last evaluated: 2024-04-16. Review status: no assertion criteria provided. Collection method: clinical testing. Allele origin: germline. Affected: yes. Not counted in ClinVar's aggregate classification.

Institute of Human Genetics, Univ. Regensburg, Univ. Regensburg
Classification: Pathogenic for Optic atrophy. Last evaluated: 2020-01-01. Review status: no assertion criteria provided. Criteria: ACMG Guidelines, 2015. Collection method: clinical testing. Allele origin: germline. Affected: yes. Not counted in ClinVar's aggregate classification.

Literature cited by the submitters: PubMed 34242285 (cited by 3 submitters); PubMed 19319978 (cited by Dasa and Mayo Clinic Laboratories, Mayo Clinic); PubMed 22433900 (cited by Dasa and Mayo Clinic Laboratories, Mayo Clinic); PubMed 19112530 (cited by 3 submitters); PubMed 11440988 (cited by Labcorp Genetics (formerly Invitae), Labcorp); PubMed 20157015 (cited by Labcorp Genetics (formerly Invitae), Labcorp); PubMed 20952381 (cited by Labcorp Genetics (formerly Invitae), Labcorp); PubMed 25012220 (cited by Labcorp Genetics (formerly Invitae), Labcorp); PubMed 19969356 (cited by Mayo Clinic Laboratories, Mayo Clinic); PubMed 25205859 (cited by Mayo Clinic Laboratories, Mayo Clinic); PubMed 26400325 (cited by Mayo Clinic Laboratories, Mayo Clinic).

NM_130837.3(OPA1):c.2362C>T (p.Arg788Ter)

Gene: OPA1 (OPA1 mitochondrial dynamin like GTPase; plus strand). Cytogenetic location: 3q29.
Variant type: single nucleotide variant.
Coding change: c.2362C>T on transcript NM_130837.3 (MANE Select); coding-DNA position 2362, C replaced by T.
Protein change: p.Arg788Ter; replaces arginine 788 with a stop codon.
Molecular consequence: nonsense.
Genome position (GRCh38, 1-based): chr3:193,658,917, C>T. VCF-style: chr3-193658917-C-T. GRCh37 (hg19) VCF-style: chr3-193376706-C-T.
Other names: p.Arg733*; c.2362C>T (LRG_337t2); c.1828C>T, p.Arg610Ter (NM_001354663.2); c.1825C>T, p.Arg609Ter (NM_001354664.2); c.2197C>T, p.Arg733Ter (NM_015560.3); c.2089C>T, p.Arg697Ter (NM_130831.3); c.2143C>T, p.Arg715Ter (NM_130832.3); c.2200C>T, p.Arg734Ter (NM_130833.3); and 3 more; short protein forms R733*, R788*, R609*, R770*, R610*, R697*, R715*, R734*.
Identifiers: ClinVar variation 431941 (VCV000431941.15), dbSNP rs1553784985, ClinGen allele CA355791797.
Genomic context (GRCh38, chr3:193,658,917, plus strand): 5'-GTTGGCTTTTTCTCTTCTTGTTATTTTCAGAGGGTTATTCAACACAATGCTTTGGAAGAC[C>T]GATCCATATCTGATAAACAGCAATGGGATGCAGCTATTTATTTTATGGAAGAGGCTCTGC-3'